The following is an entry in ClinVar:

NM_018706.7(DHTKD1):c.64C>A (p.Arg22Ser)

Gene: DHTKD1 (dehydrogenase E1 and transketolase domain containing 1; plus strand). Cytogenetic location: 10p14.
Variant type: single nucleotide variant.
Coding change: c.64C>A on transcript NM_018706.7 (MANE Select); coding-DNA position 64, C replaced by A.
Protein change: p.Arg22Ser; replaces arginine 22 with serine.
Molecular consequence: missense variant.
Genome position (GRCh38, 1-based): chr10:12,069,097, C>A. VCF-style: chr10-12069097-C-A. GRCh37 (hg19) VCF-style: chr10-12111096-C-A.
Other names: c.64C>A (NM_018706.5); short protein forms R22S.
Identifiers: ClinVar variation 1443503 (VCV001443503.9), dbSNP rs764415717, ClinGen allele CA5407427.

ClinVar aggregate classification (germline): Uncertain significance. Review status: criteria provided, multiple submitters, no conflicts (2 of 4 stars). 3 submissions from 3 submitters: Uncertain significance (3). Last evaluated 2025-11-17.

Conditions:
2-aminoadipic 2-oxoadipic aciduria (AAKAD). Also called: Aminoadipic aciduria; ALPHA-AMINOADIPIC AND ALPHA-KETOADIPIC ACIDURIA. Identifiers: Orphanet 79154, MedGen C1859817, MONDO:0008774, OMIM 204750.
Inborn genetic diseases. Identifiers: MedGen C0950123, MeSH D030342.

Allele frequency attached by ClinVar (database versions not stated): gnomAD 0.00002 and 0.00003; gnomAD exomes 0.00005 and 0.00023; TOPMed 0.00008; ExAC 0.00018.
gnomAD v4.1: 79 of 1,612,108 alleles (0.0049%); highest among the groups gnomAD compares: Admixed American, 0.13%; 1 homozygote.

Submissions (3):

Labcorp Genetics (formerly Invitae), Labcorp
Classification: Uncertain significance for 2-aminoadipic 2-oxoadipic aciduria. Last evaluated: 2025-11-17. Review status: criteria provided, single submitter. Criteria: Invitae Variant Classification Sherloc (09022015). Collection method: clinical testing. Allele origin: germline.
Comment: This sequence change replaces arginine, which is basic and polar, with serine, which is neutral and polar, at codon 22 of the DHTKD1 protein (p.Arg22Ser). This variant is present in population databases (rs764415717, gnomAD 0.2%). This variant has not been reported in the literature in individuals affected with DHTKD1-related conditions. ClinVar contains an entry for this variant (Variation ID: 1443503). An algorithm developed to predict the effect of missense changes on protein structure and function (PolyPhen-2) suggests that this variant is likely to be tolerated. In summary, the available evidence is currently insufficient to determine the role of this variant in disease. Therefore, it has been classified as a Variant of Uncertain Significance.

Ambry Genetics
Classification: Uncertain significance for Inborn genetic diseases. Last evaluated: 2024-10-01. Review status: criteria provided, single submitter. Criteria: Ambry Variant Classification Scheme 2023. Collection method: clinical testing. Allele origin: germline.

ARUP Laboratories, Molecular Genetics and Genomics, ARUP Laboratories
Classification: Uncertain significance. Last evaluated: 2022-03-11. Review status: criteria provided, single submitter. Criteria: ARUP Molecular Germline Variant Investigation Process 2021. Collection method: clinical testing. Allele origin: germline.